The following is an entry in ClinVar:

ClinVar aggregate classification (germline): Uncertain significance (1 of 4 stars; one submission).

Allele frequency attached by ClinVar (database versions not stated): TOPMed 0.00001; gnomAD exomes 0.00002.
gnomAD v4.1: 23 of 1,610,656 alleles (0.0014%); highest among the groups gnomAD compares: Non-Finnish European, 0.0019%; no homozygotes.

Submission:

Labcorp Genetics (formerly Invitae), Labcorp
Classification: Uncertain significance. Last evaluated: 2022-05-17. Review status: criteria provided, single submitter. Criteria: Invitae Variant Classification Sherloc (09022015). Collection method: clinical testing. Allele origin: germline.
Comment: This sequence change replaces proline, which is neutral and non-polar, with leucine, which is neutral and non-polar, at codon 55 of the SOX17 protein (p.Pro55Leu). This variant is present in population databases (no rsID available, gnomAD 0.001%). This missense change has been observed in individual(s) with pulmonary hypertension (PMID: 29650961). Algorithms developed to predict the effect of missense changes on protein structure and function (SIFT, PolyPhen-2, Align-GVGD) all suggest that this variant is likely to be tolerated. In summary, the available evidence is currently insufficient to determine the role of this variant in disease. Therefore, it has been classified as a Variant of Uncertain Significance.

Literature cited by the submitters: PubMed 29650961.

NM_022454.4(SOX17):c.164C>T (p.Pro55Leu)

Gene: SOX17 (SRY-box transcription factor 17; plus strand). Cytogenetic location: 8q11.23.
Variant type: single nucleotide variant.
Coding change: c.164C>T on transcript NM_022454.4 (MANE Select); coding-DNA position 164, C replaced by T.
Protein change: p.Pro55Leu; replaces proline 55 with leucine.
Molecular consequence: missense variant.
Genome position (GRCh38, 1-based): chr8:54,458,302, C>T. VCF-style: chr8-54458302-C-T. GRCh37 (hg19) VCF-style: chr8-55370862-C-T.
Other names: short protein forms P55L.
Identifiers: ClinVar variation 2152043 (VCV002152043.4), dbSNP rs893686270, ClinGen allele CA177527689.